The following is an entry in ClinVar:

NM_053025.4(MYLK):c.3335G>T (p.Gly1112Val)

Gene: MYLK (myosin light chain kinase; minus strand). Cytogenetic location: 3q21.1.
Variant type: single nucleotide variant.
Coding change: c.3335G>T on transcript NM_053025.4 (MANE Select); coding-DNA position 3335, G replaced by T.
Protein change: p.Gly1112Val; replaces glycine 1112 with valine.
Molecular consequence: missense variant.
Genome position (GRCh38, 1-based): chr3:123,700,133, C>A on the plus strand (G>T on the coding strand, the complement: MYLK is on the minus strand). VCF-style: chr3-123700133-C-A. GRCh37 (hg19) VCF-style: chr3-123418980-C-A.
Other names: c.2807G>T, p.Gly936Val (NM_001321309.2); c.3128G>T, p.Gly1043Val (NM_053026.4, NM_053028.4); c.3335G>T, p.Gly1112Val (NM_053027.4); short protein forms G1043V, G1112V, G936V.
Identifiers: ClinVar variation 3344137 (VCV003344137.1).

ClinVar aggregate classification (germline): Uncertain significance (0 of 4 stars; one submission).

Conditions:
MYLK-related disorder. Also called: MYLK-related condition.

Submission:

PreventionGenetics, part of Exact Sciences
Classification: Uncertain significance for MYLK-related condition. Last evaluated: 2024-08-27. Review status: no assertion criteria provided. Collection method: clinical testing. Allele origin: germline.
Comment: The MYLK c.3335G>T variant is predicted to result in the amino acid substitution p.Gly1112Val. To our knowledge, this variant has not been reported in the literature or in a large population database, indicating this variant is rare. At this time, the clinical significance of this variant is uncertain due to the absence of conclusive functional and genetic evidence.